The following is an entry in ClinVar:

NM_002047.4(GARS1):c.172G>C (p.Ala58Pro)

Gene: GARS1 (glycyl-tRNA synthetase 1; plus strand). Cytogenetic location: 7p14.3.
Variant type: single nucleotide variant.
Coding change: c.172G>C on transcript NM_002047.4 (MANE Select); coding-DNA position 172, G replaced by C.
Protein change: p.Ala58Pro; replaces alanine 58 with proline.
Molecular consequence: missense variant.
Genome position (GRCh38, 1-based): chr7:30,595,093, G>C. VCF-style: chr7-30595093-G-C. GRCh37 (hg19) VCF-style: chr7-30634709-G-C.
Other names: c.10G>C, p.Ala4Pro (NM_001316772.1); short protein forms A58P, A4P.
Identifiers: ClinVar variation 3707584 (VCV003707584.2).
Genomic context (GRCh38, chr7:30,595,093, plus strand): 5'-GCGGCCTCCTGCCCCCCGATCTCCTTGCCCGCCGCCGCCTCCCGGAGCAGCATGGACGGC[G>C]CGGGGGCTGAGGAGGTGCTGGCACCTCTGAGGCTAGCAGTGCGCCAGCAGGTACCGGTGT-3'
Protein context (NP_002038.2, residues 48-68): AAASRSSMDG[Ala58Pro]GAEEVLAPLR

ClinVar aggregate classification (germline): Uncertain significance (1 of 4 stars; one submission).

Conditions:
Charcot-Marie-Tooth disease type 2. Also called: Charcot-Marie-Tooth type 2. Identifiers: Orphanet 64746, MedGen C0270914, MONDO:0018993.

gnomAD v4.1: 2 of 1,543,904 alleles (0.00013%); highest among the groups gnomAD compares: South Asian, 0.0024%; no homozygotes.

Submission:

Labcorp Genetics (formerly Invitae), Labcorp
Classification: Uncertain significance for Charcot-Marie-Tooth disease type 2. Last evaluated: 2024-09-06. Review status: criteria provided, single submitter. Criteria: Invitae Variant Classification Sherloc (09022015). Collection method: clinical testing. Allele origin: germline.
Comment: This sequence change replaces alanine, which is neutral and non-polar, with proline, which is neutral and non-polar, at codon 58 of the GARS protein (p.Ala58Pro). This variant is present in population databases (rs778104410, gnomAD 0.004%). This variant has not been reported in the literature in individuals affected with GARS-related conditions. Invitae Evidence Modeling of protein sequence and biophysical properties (such as structural, functional, and spatial information, amino acid conservation, physicochemical variation, residue mobility, and thermodynamic stability) indicates that this missense variant is not expected to disrupt GARS protein function with a negative predictive value of 95%. In summary, the available evidence is currently insufficient to determine the role of this variant in disease. Therefore, it has been classified as a Variant of Uncertain Significance.